The following is an entry in ClinVar:

ClinVar aggregate classification (germline): Uncertain significance. Review status: criteria provided, multiple submitters, no conflicts (2 of 4 stars). 3 submissions from 3 submitters: Uncertain significance (3). Last evaluated 2026-07-07.

Conditions:
Birt-Hogg-Dube syndrome. Also called: Birt Hogg Dubé syndrome. Identifiers: Orphanet 122, MedGen C0346010, MONDO:0800444.
Hereditary cancer-predisposing syndrome. Also called: Hereditary Cancer Syndrome; Hereditary neoplastic syndrome; Neoplastic Syndromes, Hereditary; Tumor predisposition. Identifiers: Orphanet 140162, MedGen C0027672, MeSH D009386, MONDO:0015356.

Submissions (3):

Ambry Genetics
Classification: Uncertain significance for Hereditary cancer-predisposing syndrome. Last evaluated: 2026-07-07. Review status: criteria provided, single submitter. Criteria: Ambry Variant Classification Scheme 2023. Collection method: clinical testing. Allele origin: germline.
Comment: The p.A89P variant (also known as c.265G>C), located in coding exon 2 of the FLCN gene, results from a G to C substitution at nucleotide position 265. The alanine at codon 89 is replaced by proline, an amino acid with highly similar properties. This amino acid position is conserved. In addition, this alteration is predicted to be tolerated by in silico analysis. Based on the available evidence, the clinical significance of this variant remains unclear.

GeneDx
Classification: Uncertain significance. Last evaluated: 2025-02-25. Review status: criteria provided, single submitter. Criteria: GeneDx Variant Classification Process June 2021. Collection method: clinical testing. Allele origin: germline. Affected: yes.
Comment: Not observed at significant frequency in large population cohorts (gnomAD); In silico analysis indicates that this missense variant does not alter protein structure/function; Has not been previously published as pathogenic or benign to our knowledge

Labcorp Genetics (formerly Invitae), Labcorp
Classification: Uncertain significance for Birt-Hogg-Dube syndrome. Last evaluated: 2023-03-29. Review status: criteria provided, single submitter. Criteria: Invitae Variant Classification Sherloc (09022015). Collection method: clinical testing. Allele origin: germline.
Comment: Advanced modeling of protein sequence and biophysical properties (such as structural, functional, and spatial information, amino acid conservation, physicochemical variation, residue mobility, and thermodynamic stability) performed at Invitae indicates that this missense variant is not expected to disrupt FLCN protein function. In summary, the available evidence is currently insufficient to determine the role of this variant in disease. Therefore, it has been classified as a Variant of Uncertain Significance. This sequence change replaces alanine, which is neutral and non-polar, with proline, which is neutral and non-polar, at codon 89 of the FLCN protein (p.Ala89Pro). This variant is not present in population databases (gnomAD no frequency). This variant has not been reported in the literature in individuals affected with FLCN-related conditions.

NM_144997.7(FLCN):c.265G>C (p.Ala89Pro)

Gene: FLCN (folliculin; minus strand). Cytogenetic location: 17p11.2.
Variant type: single nucleotide variant.
Coding change: c.265G>C on transcript NM_144997.7 (MANE Select); coding-DNA position 265, G replaced by C.
Protein change: p.Ala89Pro; replaces alanine 89 with proline.
Molecular consequence: missense variant.
Genome position (GRCh38, 1-based): chr17:17,226,307, C>G on the plus strand (G>C on the coding strand, the complement: FLCN is on the minus strand). VCF-style: chr17-17226307-C-G. GRCh37 (hg19) VCF-style: chr17-17129621-C-G.
Other names: c.265G>C, p.Ala89Pro (NM_001353229.2, NM_001353230.2, NM_001353231.2 and 1 more transcripts); short protein forms A89P.
Identifiers: ClinVar variation 2850588 (VCV002850588.5), dbSNP rs2145014400, ClinGen allele CA398534968.